The following is an entry in ClinVar:

ClinVar aggregate classification (germline): Uncertain significance (1 of 4 stars; one submission).

Conditions:
Hypogonadotropic hypogonadism 2 with or without anosmia (HH2). Also called: HYPOGONADOTROPIC HYPOGONADISM 2 WITHOUT ANOSMIA; FGFR1-Related GnRH Deficiency (Kallmann Syndrome 2); HYPOGONADOTROPIC HYPOGONADISM 2 WITH OR WITHOUT ANOSMIA, SUSCEPTIBILITY TO; HYPOGONADOTROPIC HYPOGONADISM 2 WITHOUT ANOSMIA, SUSCEPTIBILITY TO. Identifiers: Orphanet 478, MedGen C1563720, MONDO:0007844, OMIM 147950. Disease mechanism: loss of function.
Pfeiffer syndrome (ACS5). Also called: ACS V. Identifiers: Orphanet 710, MedGen C0220658, MONDO:0007043, OMIM 101600.

Allele frequency attached by ClinVar (database versions not stated): ExAC 0.00001; gnomAD 0.00001; gnomAD exomes 0.00001; TOPMed 0.00001.

Submission:

Labcorp Genetics (formerly Invitae), Labcorp
Classification: Uncertain significance for Pfeiffer syndrome; Hypogonadotropic hypogonadism 2 with or without anosmia. Last evaluated: 2022-10-24. Review status: criteria provided, single submitter. Criteria: Invitae Variant Classification Sherloc (09022015). Collection method: clinical testing. Allele origin: germline.
Comment: In summary, the available evidence is currently insufficient to determine the role of this variant in disease. Therefore, it has been classified as a Variant of Uncertain Significance. Algorithms developed to predict the effect of missense changes on protein structure and function (SIFT, PolyPhen-2, Align-GVGD) all suggest that this variant is likely to be tolerated. This variant has not been reported in the literature in individuals affected with FGFR1-related conditions. This variant is present in population databases (rs750688817, gnomAD 0.003%). This sequence change replaces serine, which is neutral and polar, with asparagine, which is neutral and polar, at codon 410 of the FGFR1 protein (p.Ser410Asn).

NM_023110.3(FGFR1):c.1229G>A (p.Ser410Asn)

Gene: FGFR1 (fibroblast growth factor receptor 1; minus strand). Cytogenetic location: 8p11.23.
Variant type: single nucleotide variant.
Coding change: c.1229G>A on transcript NM_023110.3 (MANE Select); coding-DNA position 1229, G replaced by A.
Protein change: p.Ser410Asn; replaces serine 410 with asparagine.
Molecular consequence: missense variant.
Genome position (GRCh38, 1-based): chr8:38,419,588, C>T on the plus strand (G>A on the coding strand, the complement: FGFR1 is on the minus strand). VCF-style: chr8-38419588-C-T. GRCh37 (hg19) VCF-style: chr8-38277106-C-T.
Other names: c.1229G>A, p.Ser410Asn (NM_000604.2, NM_001174063.2); c.1205G>A, p.Ser402Asn (NM_001174064.2); c.1223G>A, p.Ser408Asn (NM_001174065.2, NM_001354367.2, NM_001354369.2 and 2 more transcripts); c.962G>A, p.Ser321Asn (NM_001174066.2, NM_023105.3); c.1322G>A, p.Ser441Asn (NM_001174067.2); c.956G>A, p.Ser319Asn (NM_001354368.2, NM_001354370.2, NM_023106.3); short protein forms S319N, S408N, S410N, S441N, S321N, S402N.
Identifiers: ClinVar variation 2066222 (VCV002066222.4), dbSNP rs750688817, ClinGen allele CA4718454.
Genomic context (GRCh38, chr8:38,419,588, plus strand): 5'-CTTTCTGTTACCTGTCTGCGCAGAGGGATGCTCTTGGCCAGCTTGTGCACAGCCATCTGG[C>T]TGTGGAAGTCACTCTTCTTGGTACCACTCTTCATCTTGTAGACGATGACCGACCCCACCA-3'
Protein context (NP_075598.2, residues 400-420): KSGTKKSDFH[Ser410Asn]QMAVHKLAKS